The following is an entry in ClinVar:

NM_033380.3(COL4A5):c.2492G>A (p.Gly831Glu)

Gene: COL4A5 (collagen type IV alpha 5 chain; plus strand). Cytogenetic location: Xq22.3.
Variant type: single nucleotide variant.
Coding change: c.2492G>A on transcript NM_033380.3 (MANE Select); coding-DNA position 2492, G replaced by A.
Protein change: p.Gly831Glu; replaces glycine 831 with glutamic acid.
Molecular consequence: missense variant.
Genome position (GRCh38, 1-based): chrX:108,615,007, G>A. VCF-style: chrX-108615007-G-A. GRCh37 (hg19) VCF-style: chrX-107858237-G-A.
Other names: c.2492G>A, p.Gly831Glu (NM_000495.5); short protein forms G831E.
Identifiers: ClinVar variation 3234030 (VCV003234030.3), dbSNP rs2524375879, ClinGen allele CA413850184.
Genomic context (GRCh38, chrX:108,615,007, plus strand): 5'-GACCTCCTGGGCTGCCAGGAATAGGTGTTCAGGGACCACCAGGACCACCAGGGATTCCTG[G>A]GCCAATAGGTCAACCTGGTAAGATTAGAGTAAATGTGCATTTTGTAGCACTCATAATATA-3'
Protein context (NP_203699.1, residues 821-841): QGPPGPPGIP[Gly831Glu]PIGQPGLHGI

ClinVar aggregate classification (germline): Pathogenic/Likely pathogenic. Review status: criteria provided, multiple submitters, no conflicts (2 of 4 stars). 2 submissions from 2 submitters: Pathogenic (1); Likely pathogenic (1). Last evaluated 2024-10-10.

Conditions:
X-linked Alport syndrome (ATS1). Also called: NEPHROPATHY AND DEAFNESS, X-LINKED; COL4A5-Related Nephropathy. Identifiers: Orphanet 63, Orphanet 88917, MedGen C4746986, MONDO:0010520, OMIM 301050.

Submissions (2):

Genetics laboratory, Institute of Kidney Diseases & Research Centre Dr. H.L. Trivedi Institute Of Transplantation Sciences
Classification: Likely pathogenic for X-linked Alport syndrome. Last evaluated: 2024-10-10. Review status: criteria provided, single submitter. Criteria: ACMG Guidelines, 2015. Collection method: clinical testing. Allele origin: germline. Inheritance: X-linked dominant inheritance. Affected: yes. Observed: 1 variant allele, 1 hemizygote.
Comment: The COL4A5 variant c.2492G>A (p.Gly831Glu) is classified as Likely Pathogenic based on ACMG criteria. The variant results in substitution of a highly conserved glycine residue within the collagenous Gly-X-Y domain, a recognized disease-associated region in COL4A5-related disorders.

MVZ Medizinische Genetik Mainz
Classification: Pathogenic for X-linked Alport syndrome. Last evaluated: 2023-02-15. Review status: criteria provided, single submitter. Criteria: UK Practice Guidelines For Variant Classification V4 01 2020. Collection method: clinical testing. Allele origin: germline. Inheritance: X-linked dominant inheritance. Affected: yes. Observed: 2 variant alleles.
Comment: ACMG Criteria: PM1_STR, PM5, PM2_SUP, PP2, PP3, PP4